The following is an entry in ClinVar:

ClinVar aggregate classification (germline): Likely pathogenic. Review status: reviewed by expert panel (3 of 4 stars). 9 submissions from 9 submitters: Likely pathogenic (1). 8 of the submissions do not count toward it. Last evaluated 2024-06-28.

Conditions:
Usher syndrome. Also called: Usher Syndromes; Usher's syndrome. Identifiers: Orphanet 886, MedGen CN469326, MeSH D052245, MONDO:0019501. Disease mechanism: loss of function.
Meniere disease. Also called: Ménière's disease. Identifiers: MedGen C0025281, MONDO:0007972, OMIM 156000.
Nonsyndromic genetic hearing loss. Also called: Nonsyndromic hearing loss and deafness; Non-syndromic genetic deafness; Nonsyndromic genetic deafness. Identifiers: Orphanet 87884, MedGen C5680182, MONDO:0019497.
Autosomal recessive nonsyndromic hearing loss 2. Also called: DEAFNESS, AUTOSOMAL RECESSIVE 2; NEUROSENSORY NONSYNDROMIC RECESSIVE DEAFNESS 2. Identifiers: Orphanet 90636, MedGen C1838701, MONDO:0010807, OMIM 600060.
Hearing loss, autosomal recessive. Also called: Deafness, autosomal recessive; Autosomal recessive nonsyndromic deafness; Rare autosomal recessive non-syndromic sensorineural deafness type DFNB; Nonsyndromic Hearing Loss, Recessive. Identifiers: Orphanet 90635, Orphanet 90636, MedGen C1846647, MONDO:0019588, OMIM 607197.
Usher syndrome type 1B (USH1B). Also called: Usher syndrome type IB. Identifiers: MedGen C1848638, MONDO:0700087.
Usher syndrome type 1 (USH1). Also called: RETINITIS PIGMENTOSA AND CONGENITAL DEAFNESS. Identifiers: Orphanet 231169, Orphanet 886, MedGen C1568247, MONDO:0010168, OMIM 276900.

Allele frequency attached by ClinVar (database versions not stated): gnomAD below 0.00001 and 0.00001; ExAC 0.00005; gnomAD exomes 0.00001.
gnomAD v4.1: 8 of 1,557,600 alleles (0.00051%); highest among the groups gnomAD compares: South Asian, 0.0095%; no homozygotes.

Submissions (9):

ClinGen Hearing Loss Variant Curation Expert Panel
Classification: Likely pathogenic for Nonsyndromic genetic hearing loss. Last evaluated: 2024-06-28. Review status: reviewed by expert panel. Criteria: Clingen Hl Acmg Specifications Cdh23 Coch Gjb2 Kcnq4 Myo6 Myo7a Slc26a4 Tecta Ush2a V2. Collection method: curation. Allele origin: germline. Inheritance: Autosomal recessive inheritance.
Comment: The c.1849T>C variant in MYO7A is a missense variant predicted to cause substitution of serine by proline at amino acid 617 (p.Ser617Pro). The highest population minor allele frequency in gnomAD v4 is 0.00009496 (8/84244 alleles) in the South Asian population (PM2_Supporting, BS1, and BA1 are not met). The computational predictor REVEL gives a score of 0.922, which is above the threshold of 0.7, evidence that correlates with impact to MYO7A function (PP3). This variant has been detected in 3 individuals with nonsyndromic hearing loss. Of those individuals, 2 were compound heterozygous for the variant and a pathogenic or likely pathogenic variant and both of those were confirmed in trans by parental testing (c.20G>T [p.Gly7Val], c.1258A>T [p.K420*], 2 PM3 points, PMIDs: 30303587, 33187236). One individual was homozygous for the variant (0.5 PM3 points, PMIDs: 27344577, 33671976) (PM3). The variant has been reported to segregate with nonsyndromic hearing loss in 7 affected family members from 3 families (PP1_Strong; PMIDs: 27344577, 30303587, 33187236, 33671976). This variant has also been detected in 1 individual with Usher syndrome, with a second variant c.4838delA (p.Asp1613ValfsTer32) without phase confirmation (PMIDs: 28041643, 32581362). In summary, this variant meets the criteria to be classified as likely pathogenic for autosomal recessive hearing loss based on the ACMG/AMP criteria applied, as specified by the ClinGen Hearing Loss VCEP: PP1_S, PM3, PP3. (Hearing Loss VCEP specifications version 2; 4/22/2024). As cases have been observed with both nonsyndromic hearing loss and Usher syndrome and genotype-phenotype correlation is currently unclear, individuals should be evaluated for both conditions.

Meniere Disease Neuroscience Research Program, Faculty of Medicine and Health, Kolling Institute, The University of Sydney
Classification: Likely pathogenic for Meniere disease. Last evaluated: 2025-05-25. Review status: criteria provided, single submitter. Criteria: ClinGen HL ACMG Specifications v1. Collection method: research. Allele origin: germline. Affected: yes. Not counted in ClinVar's aggregate classification.
Comment: This variant has an amino acid change at p.Ser617Pro.

Natera, Inc.
Classification: Likely pathogenic for Usher syndrome type 1B. Last evaluated: 2024-12-19. Review status: criteria provided, single submitter. Criteria: Natera Variant Classification Schema (03/2026). Collection method: clinical testing. Allele origin: germline. Not counted in ClinVar's aggregate classification.
Comment: The c.1849T>C variant in MYO7A is a missense variant predicted to cause substitution of serine to proline at amino acid 617. This variant is rare in the general population with a frequency below the threshold expected for the associated phenotype(s). This variant has been observed in one or more individuals affected with the associated recessive disease, as either homozygous or compound heterozygous with a second variant (PMID: 30303587, 27344577, 38219857). This variant has been observed to segregate in affected family members (PMID: 30303587). Computational prediction algorithms indicate this variant is likely to affect gene or protein function. Given the available evidence, this variant is classified as Likely Pathogenic.

Labcorp Genetics (formerly Invitae), Labcorp
Classification: Pathogenic. Last evaluated: 2024-09-19. Review status: criteria provided, single submitter. Criteria: Invitae Variant Classification Sherloc (09022015). Collection method: clinical testing. Allele origin: germline. Not counted in ClinVar's aggregate classification.
Comment: This sequence change replaces serine, which is neutral and polar, with proline, which is neutral and non-polar, at codon 617 of the MYO7A protein (p.Ser617Pro). The frequency data for this variant in the population databases is considered unreliable, as metrics indicate poor data quality at this position in the gnomAD database. This missense change has been observed in individual(s) with autosomal recessive deafness, MYO7A-related conditions, and/or Usher syndrome type 1 (PMID: 28041643, 30303587, 33671976; internal data). In at least one individual the data is consistent with being in trans (on the opposite chromosome) from a pathogenic variant. ClinVar contains an entry for this variant (Variation ID: 438172). Invitae Evidence Modeling of protein sequence and biophysical properties (such as structural, functional, and spatial information, amino acid conservation, physicochemical variation, residue mobility, and thermodynamic stability) indicates that this missense variant is expected to disrupt MYO7A protein function with a positive predictive value of 95%. For these reasons, this variant has been classified as Pathogenic.

3billion
Classification: Likely pathogenic for Usher syndrome type 1. Last evaluated: 2024-07-01. Review status: criteria provided, single submitter. Criteria: ACMG Guidelines, 2015. Collection method: clinical testing. Allele origin: germline. Affected: yes. Not counted in ClinVar's aggregate classification.
Comment: The variant is observed at an extremely low frequency in the gnomAD v4.0.0 dataset (total allele frequency: <0.001%). Predicted Consequence/Location: The majority of the known disease-causing variants of this gene are variants expected to result in premature termination of the protein. In silico tool predictions suggest damaging effect of the variant on gene or gene product [REVEL: 0.92 (>=0.6, sensitivity 0.68 and specificity 0.92); 3Cnet: 0.77 (>=0.6, sensitivity 0.72 and precision 0.9)]. The same nucleotide change resulting in the same amino acid change has been previously reported as pathogenic/likely pathogenic with strong evidence (ClinVar ID: VCV000438172 /PMID: 28041643). Therefore, this variant is classified as Likely pathogenic according to the recommendation of ACMG/AMP guideline.

National Institute on Deafness and Communication Disorders, National Institutes of Health
Classification: Pathogenic for Autosomal recessive nonsyndromic hearing loss 2. Last evaluated: 2018-07-05. Review status: no assertion criteria provided. Collection method: research. Allele origin: germline. Affected: yes. Observed: 1 compound heterozygote. Segregation with disease observed. Not counted in ClinVar's aggregate classification.

Counsyl
Classification: Uncertain significance for Usher syndrome type 1; Autosomal recessive nonsyndromic hearing loss 2. Last evaluated: 2017-10-24. Review status: no assertion criteria provided. Collection method: clinical testing. Allele origin: unknown. Not counted in ClinVar's aggregate classification.

NIHR Bioresource Rare Diseases, University of Cambridge
Classification: Likely pathogenic for Usher syndrome. Last evaluated: 2015-01-01. Review status: no assertion criteria provided. Collection method: research. Allele origin: unknown. Affected: yes. Observed: 1 variant allele. Not counted in ClinVar's aggregate classification.

University of Washington Center for Mendelian Genomics, University of Washington
Classification: Likely pathogenic for non-syndromic autosomal recessive hearing loss. Review status: no assertion criteria provided. Collection method: research. Allele origin: inherited. Affected: yes. Not counted in ClinVar's aggregate classification.

Literature cited by the submitters: PubMed 30303587 (cited by 3 submitters); PubMed 27344577 (cited by Natera, Inc. and Counsyl); PubMed 38219857 (cited by Natera, Inc.); PubMed 28041643 (cited by 4 submitters); PubMed 33671976 (cited by Labcorp Genetics (formerly Invitae), Labcorp).

NM_000260.4(MYO7A):c.1849T>C (p.Ser617Pro)

Gene: MYO7A (myosin VIIA; plus strand). Cytogenetic location: 11q13.5.
Variant type: single nucleotide variant.
Coding change: c.1849T>C on transcript NM_000260.4 (MANE Select); coding-DNA position 1849, T replaced by C.
Protein change: p.Ser617Pro; replaces serine 617 with proline.
Molecular consequence: missense variant.
Genome position (GRCh38, 1-based): chr11:77,172,799, T>C. VCF-style: chr11-77172799-T-C. GRCh37 (hg19) VCF-style: chr11-76883845-T-C.
Other names: NM_000260.4(MYO7A):c.1849T>C; c.1849T>C, p.Ser617Pro (NM_001127180.2); c.1816T>C, p.Ser606Pro (NM_001369365.1); short protein forms S617P, S606P.
Identifiers: ClinVar variation 438172 (VCV000438172.13), dbSNP rs782063761, ClinGen allele CA6197628.
Genomic context (GRCh38, chr11:77,172,799, plus strand): 5'-TCCCCCCAGGGCGCCGAGACCAGGAAGCGCTCGCCCACACTTAGCAGCCAGTTCAAGCGG[T>C]CACTGGAGCTGCTGATGCGCACGCTGGGTGCCTGCCAGCCCTTCTTTGTGCGATGCATCA-3'
Protein context (NP_000251.3, residues 607-627): SPTLSSQFKR[Ser617Pro]LELLMRTLGA